The following is an entry in ClinVar:

ClinVar aggregate classification (germline): Uncertain significance (1 of 4 stars; one submission).

Submission:

Labcorp Genetics (formerly Invitae), Labcorp
Classification: Uncertain significance. Last evaluated: 2024-01-15. Review status: criteria provided, single submitter. Criteria: Invitae Variant Classification Sherloc (09022015). Collection method: clinical testing. Allele origin: germline.
Comment: This sequence change replaces glycine, which is neutral and non-polar, with serine, which is neutral and polar, at codon 664 of the COL11A2 protein (p.Gly664Ser). This variant is not present in population databases (gnomAD no frequency). This variant has not been reported in the literature in individuals affected with COL11A2-related conditions. ClinVar contains an entry for this variant (Variation ID: 1718377). Advanced modeling of protein sequence and biophysical properties (such as structural, functional, and spatial information, amino acid conservation, physicochemical variation, residue mobility, and thermodynamic stability) performed at Invitae indicates that this missense variant is expected to disrupt COL11A2 protein function with a positive predictive value of 95%. In summary, the available evidence is currently insufficient to determine the role of this variant in disease. Therefore, it has been classified as a Variant of Uncertain Significance.

NM_080680.3(COL11A2):c.1990G>A (p.Gly664Ser)

Gene: COL11A2 (collagen type XI alpha 2 chain; minus strand). Cytogenetic location: 6p21.32.
Variant type: single nucleotide variant.
Coding change: c.1990G>A on transcript NM_080680.3 (MANE Select); coding-DNA position 1990, G replaced by A.
Protein change: p.Gly664Ser; replaces glycine 664 with serine.
Molecular consequence: missense variant.
Genome position (GRCh38, 1-based): chr6:33,177,207, C>T on the plus strand (G>A on the coding strand, the complement: COL11A2 is on the minus strand). VCF-style: chr6-33177207-C-T. GRCh37 (hg19) VCF-style: chr6-33144984-C-T.
Other names: c.1669G>A, p.Gly557Ser (NM_080679.3); c.1732G>A, p.Gly578Ser (NM_080681.3); short protein forms G557S, G578S, G664S.
Identifiers: ClinVar variation 1718377 (VCV001718377.6), dbSNP rs1771037913, ClinGen allele CA363653788.